The following is an entry in ClinVar:

ClinVar aggregate classification (germline): Uncertain significance. Review status: criteria provided, multiple submitters, no conflicts (2 of 4 stars). 2 submissions from 2 submitters: Uncertain significance (2). Last evaluated 2022-08-26.

Conditions:
Inborn genetic diseases. Identifiers: MedGen C0950123, MeSH D030342.

Allele frequency attached by ClinVar (database versions not stated): TOPMed below 0.00001; gnomAD 0.00001.

Submissions (2):

Ambry Genetics
Classification: Uncertain significance for Inborn genetic diseases. Last evaluated: 2022-08-26. Review status: criteria provided, single submitter. Criteria: Ambry Variant Classification Scheme 2023. Collection method: clinical testing. Allele origin: germline.

Labcorp Genetics (formerly Invitae), Labcorp
Classification: Uncertain significance. Last evaluated: 2022-03-22. Review status: criteria provided, single submitter. Criteria: Invitae Variant Classification Sherloc (09022015). Collection method: clinical testing. Allele origin: germline.
Comment: This sequence change replaces valine, which is neutral and non-polar, with phenylalanine, which is neutral and non-polar, at codon 143 of the TUBGCP6 protein (p.Val143Phe). This variant is not present in population databases (gnomAD no frequency). This variant has not been reported in the literature in individuals affected with TUBGCP6-related conditions. Algorithms developed to predict the effect of missense changes on protein structure and function are either unavailable or do not agree on the potential impact of this missense change (SIFT: "Deleterious"; PolyPhen-2: "Possibly Damaging"; Align-GVGD: "Class C0"). In summary, the available evidence is currently insufficient to determine the role of this variant in disease. Therefore, it has been classified as a Variant of Uncertain Significance.

NM_020461.4(TUBGCP6):c.427G>T (p.Val143Phe)

Gene: TUBGCP6 (tubulin gamma complex component 6; minus strand). Cytogenetic location: 22q13.33.
Variant type: single nucleotide variant.
Coding change: c.427G>T on transcript NM_020461.4 (MANE Select); coding-DNA position 427, G replaced by T.
Protein change: p.Val143Phe; replaces valine 143 with phenylalanine.
Molecular consequence: missense variant.
Genome position (GRCh38, 1-based): chr22:50,244,033, C>A on the plus strand (G>T on the coding strand, the complement: TUBGCP6 is on the minus strand). VCF-style: chr22-50244033-C-A. GRCh37 (hg19) VCF-style: chr22-50682462-C-A.
Other names: short protein forms V143F.
Identifiers: ClinVar variation 1918928 (VCV001918928.3), dbSNP rs1428638196, ClinGen allele CA412115403.